The following is an entry in ClinVar:

NM_000355.4(TCN2):c.1109A>G (p.Tyr370Cys)

Gene: TCN2 (transcobalamin 2; plus strand). Cytogenetic location: 22q12.2.
Variant type: single nucleotide variant.
Coding change: c.1109A>G on transcript NM_000355.4 (MANE Select); coding-DNA position 1109, A replaced by G.
Protein change: p.Tyr370Cys; replaces tyrosine 370 with cysteine.
Molecular consequence: missense variant.
Genome position (GRCh38, 1-based): chr22:30,622,970, A>G. VCF-style: chr22-30622970-A-G. GRCh37 (hg19) VCF-style: chr22-31018957-A-G.
Other names: c.1028A>G, p.Tyr343Cys (NM_001184726.2); short protein forms Y343C, Y370C.
Identifiers: ClinVar variation 662669 (VCV000662669.6), dbSNP rs1406364381, ClinGen allele CA411216586.

ClinVar aggregate classification (germline): Uncertain significance (1 of 4 stars; one submission).

Conditions:
Transcobalamin II deficiency (TCN2D). Also called: TC II DEFICIENCY; TCN2 DEFICIENCY; Transcolabamin II deficiency. Identifiers: Orphanet 859, MedGen C0342701, MONDO:0010149, OMIM 275350.

Allele frequency attached by ClinVar (database versions not stated): gnomAD exomes below 0.00001 and 0.00002; TOPMed below 0.00001.

Submission:

Labcorp Genetics (formerly Invitae), Labcorp
Classification: Uncertain significance for Transcobalamin II deficiency. Last evaluated: 2021-09-01. Review status: criteria provided, single submitter. Criteria: Invitae Variant Classification Sherloc (09022015). Collection method: clinical testing. Allele origin: germline.
Comment: This sequence change replaces tyrosine with cysteine at codon 370 of the TCN2 protein (p.Tyr370Cys). The tyrosine residue is moderately conserved and there is a large physicochemical difference between tyrosine and cysteine. This variant is not present in population databases (ExAC no frequency). This variant has not been reported in the literature in individuals affected with TCN2-related conditions. Algorithms developed to predict the effect of missense changes on protein structure and function are either unavailable or do not agree on the potential impact of this missense change (SIFT: "Deleterious"; PolyPhen-2: "Probably Damaging"; Align-GVGD: "Class C0"). In summary, the available evidence is currently insufficient to determine the role of this variant in disease. Therefore, it has been classified as a Variant of Uncertain Significance.